The following is an entry in ClinVar:

ClinVar aggregate classification (germline): Conflicting classifications of pathogenicity. Review status: criteria provided, conflicting classifications (1 of 4 stars). 2 submissions from 2 submitters: Likely pathogenic (1); Uncertain significance (1). Last evaluated 2023-02-16.

Conditions:
Cockayne syndrome. Identifiers: Orphanet 191, MedGen C0009207, MONDO:0016006.
Fanconi anemia complementation group Q. Identifiers: Orphanet 84, MedGen C3808988, MONDO:0014108, OMIM 615272.
Xeroderma pigmentosum, group F (XPF). Also called: XERODERMA PIGMENTOSUM, COMPLEMENTATION GROUP F; XERODERMA PIGMENTOSUM VI; XP, GROUP F; XERODERMA PIGMENTOSUM, TYPE F; Xeroderma pigmentosum, type 6; ERCC4-Related Xeroderma Pigmentosum. Identifiers: MedGen C0268140, MONDO:0010215, OMIM 278760.
XFE progeroid syndrome (XFEPS). Also called: XPF-ERCC1 PROGEROID SYNDROME. Identifiers: MedGen C1970416, MONDO:0012590, OMIM 610965.

Allele frequency attached by ClinVar (database versions not stated): ExAC 0.00001; gnomAD 0.00001; gnomAD exomes 0.00001.
gnomAD v4.1: 8 of 1,595,176 alleles (0.0005%); highest among the groups gnomAD compares: South Asian, 0.0088%; no homozygotes.

Submissions (2):

Labcorp Genetics (formerly Invitae), Labcorp
Classification: Uncertain significance for Fanconi anemia complementation group Q; Xeroderma pigmentosum, group F; Cockayne syndrome. Last evaluated: 2023-02-16. Review status: criteria provided, single submitter. Criteria: Invitae Variant Classification Sherloc (09022015). Collection method: clinical testing. Allele origin: germline.
Comment: An algorithm developed to predict the effect of missense changes on protein structure and function (PolyPhen-2) suggests that this variant is likely to be disruptive. This sequence change replaces isoleucine, which is neutral and non-polar, with methionine, which is neutral and non-polar, at codon 634 of the ERCC4 protein (p.Ile634Met). This variant is present in population databases (rs749634352, gnomAD 0.003%). This variant has not been reported in the literature in individuals affected with ERCC4-related conditions. In summary, the available evidence is currently insufficient to determine the role of this variant in disease. Therefore, it has been classified as a Variant of Uncertain Significance.

Pittsburgh Clinical Genomics Laboratory, University of Pittsburgh Medical Center
Classification: Likely pathogenic for XFE progeroid syndrome. Last evaluated: 2021-07-22. Review status: criteria provided, single submitter. Criteria: ACMG Guidelines, 2015. Collection method: clinical testing. Allele origin: germline. Inheritance: Autosomal recessive inheritance. Affected: yes.
Comment: This sequence variant is a single nucleotide substitution (A>G) at position 1902 of the coding sequence of the ERCC4 gene that results in an isoleucine to methionine amino acid substitution at residue 634 of XPF, the ERCC4 encoded protein. This is a de novo variant not observed in either of the parental sequences. This variant rare in control population data sets (gnomAD database, 1 of 250954 alleles, 0.0004%) and is absent from online data sets of clinically annotated variants (ClinVar). To our knowledge, this variant has not been observed in individuals with ERCCR4-related disease in the published literature. Multiple bioinformatic tools predict that this isoleucine to methionine amino acid change would be damaging and the isoleucine residue is highly conserved across the vertebrate species examined. Studies examining the functiol consequence of this variant have not been published, to our knowledge. Based on this information, we consider this a likely pathogenic variant. ACMG Criteria: PM2, PP3, PS2

NM_005236.3(ERCC4):c.1902A>G (p.Ile634Met)

Gene: ERCC4 (ERCC excision repair 4, endonuclease catalytic subunit; plus strand). Cytogenetic location: 16p13.12.
Variant type: single nucleotide variant.
Coding change: c.1902A>G on transcript NM_005236.3 (MANE Select); coding-DNA position 1902, A replaced by G.
Protein change: p.Ile634Met; replaces isoleucine 634 with methionine.
Molecular consequence: missense variant.
Genome position (GRCh38, 1-based): chr16:13,937,856, A>G. VCF-style: chr16-13937856-A-G. GRCh37 (hg19) VCF-style: chr16-14031713-A-G.
Other names: short protein forms I634M.
Identifiers: ClinVar variation 2924700 (VCV002924700.4), dbSNP rs749634352, ClinGen allele CA7910587.